The following is an entry in ClinVar:

ClinVar aggregate classification (germline): Uncertain significance. Review status: criteria provided, single submitter (1 of 4 stars). 3 submissions from 3 submitters: Uncertain significance (1). 2 of the submissions do not count toward it. Last evaluated 2025-02-23.

Conditions:
Familial adenomatous polyposis 1 (FAP1). Also called: FAMILIAL ADENOMATOUS POLYPOSIS 1, ATTENUATED; POLYPOSIS, ADENOMATOUS INTESTINAL. Identifiers: MedGen C2713442, MONDO:0021056, OMIM 175100. Disease mechanism: loss of function.

gnomAD v4.1: 1 of 1,614,052 alleles (0.000062%); highest among the groups gnomAD compares: Non-Finnish European, 0.000085%; no homozygotes.

Submissions (3):

Labcorp Genetics (formerly Invitae), Labcorp
Classification: Uncertain significance for Familial adenomatous polyposis 1. Last evaluated: 2025-02-23. Review status: criteria provided, single submitter. Criteria: Invitae Variant Classification Sherloc (09022015). Collection method: clinical testing. Allele origin: germline.
Comment: This sequence change replaces aspartic acid, which is acidic and polar, with glycine, which is neutral and non-polar, at codon 1948 of the APC protein (p.Asp1948Gly). This variant is not present in population databases (gnomAD no frequency). This variant has not been reported in the literature in individuals affected with APC-related conditions. ClinVar contains an entry for this variant (Variation ID: 1174705). Invitae Evidence Modeling of protein sequence and biophysical properties (such as structural, functional, and spatial information, amino acid conservation, physicochemical variation, residue mobility, and thermodynamic stability) indicates that this missense variant is not expected to disrupt APC protein function with a negative predictive value of 95%. In summary, the available evidence is currently insufficient to determine the role of this variant in disease. Therefore, it has been classified as a Variant of Uncertain Significance.

Diagnostic Laboratory, Department of Genetics, University Medical Center Groningen
Classification: Uncertain significance. Review status: no assertion criteria provided. Collection method: clinical testing. Allele origin: germline. Affected: yes. Study: VKGL Data-share Consensus. Not counted in ClinVar's aggregate classification.

Joint Genome Diagnostic Labs from Nijmegen and Maastricht, Radboudumc and MUMC+
Classification: Uncertain significance. Review status: no assertion criteria provided. Collection method: clinical testing. Allele origin: germline. Affected: yes. Study: VKGL Data-share Consensus. Not counted in ClinVar's aggregate classification.

NM_000038.6(APC):c.5843A>G (p.Asp1948Gly)

Gene: APC (APC regulator of Wnt signaling pathway; plus strand). Cytogenetic location: 5q22.2.
Variant type: single nucleotide variant.
Coding change: c.5843A>G on transcript NM_000038.6 (MANE Select); coding-DNA position 5843, A replaced by G.
Protein change: p.Asp1948Gly; replaces aspartic acid 1948 with glycine.
Molecular consequence: missense variant.
Genome position (GRCh38, 1-based): chr5:112,841,437, A>G. VCF-style: chr5-112841437-A-G. GRCh37 (hg19) VCF-style: chr5-112177134-A-G.
Other names: c.5843A>G, p.Asp1948Gly (NM_001127510.3, NM_001354895.2); c.5789A>G, p.Asp1930Gly (NM_001127511.3); c.5897A>G, p.Asp1966Gly (NM_001354896.2); c.5873A>G, p.Asp1958Gly (NM_001354897.2); c.5768A>G, p.Asp1923Gly (NM_001354898.2); c.5759A>G, p.Asp1920Gly (NM_001354899.2); c.5720A>G, p.Asp1907Gly (NM_001354900.2); c.5666A>G, p.Asp1889Gly (NM_001354901.2); and 5 more; short protein forms D1665G, D1788G, D1822G, D1847G, D1857G, D1889G, D1907G, D1920G.
Identifiers: ClinVar variation 1174705 (VCV001174705.11), dbSNP rs2149950692, ClinGen allele CA16034110.